The following is an entry in ClinVar:

NM_032119.4(ADGRV1):c.15244C>T (p.Gln5082Ter)

Gene: ADGRV1 (adhesion G protein-coupled receptor V1; plus strand). Cytogenetic location: 5q14.3.
Variant type: single nucleotide variant.
Coding change: c.15244C>T on transcript NM_032119.4 (MANE Select); coding-DNA position 15244, C replaced by T.
Protein change: p.Gln5082Ter; replaces glutamine 5082 with a stop codon.
Molecular consequence: nonsense. On other transcripts: non-coding transcript variant (1).
Genome position (GRCh38, 1-based): chr5:90,810,504, C>T. VCF-style: chr5-90810504-C-T. GRCh37 (hg19) VCF-style: chr5-90106321-C-T.
Other names: c.15244C>T (NM_032119.3); short protein forms Q5082*.
Identifiers: ClinVar variation 1994787 (VCV001994787.5), dbSNP rs2532184856, ClinGen allele CA360408587.

ClinVar aggregate classification (germline): Pathogenic/Likely pathogenic. Review status: criteria provided, multiple submitters, no conflicts (2 of 4 stars). 2 submissions from 2 submitters: Pathogenic (1); Likely pathogenic (1). Last evaluated 2025-11-19.

Conditions:
ADGRV1-related disorder. Also called: ADGRV1-related condition; ADGRV1-related disorders.

Submissions (2):

PreventionGenetics, part of Exact Sciences
Classification: Likely pathogenic for ADGRV1-related condition. Last evaluated: 2025-11-19. Review status: criteria provided, single submitter. Criteria: ACMG Guidelines, 2015. Collection method: clinical testing. Allele origin: germline.
Comment: The ADGRV1 c.15244C>T variant is predicted to result in premature protein termination (p.Gln5082*). To our knowledge, this variant has not been reported in the literature or in a large population database (gnomAD), indicating this variant is rare. Nonsense variants in ADGRV1 are expected to be pathogenic. This variant is interpreted as likely pathogenic.

Labcorp Genetics (formerly Invitae), Labcorp
Classification: Pathogenic. Last evaluated: 2022-10-17. Review status: criteria provided, single submitter. Criteria: Invitae Variant Classification Sherloc (09022015). Collection method: clinical testing. Allele origin: germline.
Comment: For these reasons, this variant has been classified as Pathogenic. This variant has not been reported in the literature in individuals affected with ADGRV1-related conditions. This variant is not present in population databases (gnomAD no frequency). This sequence change creates a premature translational stop signal (p.Gln5082*) in the ADGRV1 gene. It is expected to result in an absent or disrupted protein product. Loss-of-function variants in ADGRV1 are known to be pathogenic (PMID: 19357117, 22135276, 22147658, 26226137, 30718709, 31047384, 32467589).

Literature cited by the submitters: PubMed 19357117 (cited by Labcorp Genetics (formerly Invitae), Labcorp); PubMed 22135276 (cited by Labcorp Genetics (formerly Invitae), Labcorp); PubMed 22147658 (cited by Labcorp Genetics (formerly Invitae), Labcorp); PubMed 26226137 (cited by Labcorp Genetics (formerly Invitae), Labcorp); PubMed 30718709 (cited by Labcorp Genetics (formerly Invitae), Labcorp); PubMed 31047384 (cited by Labcorp Genetics (formerly Invitae), Labcorp); PubMed 32467589 (cited by Labcorp Genetics (formerly Invitae), Labcorp).